The following is an entry in ClinVar:

NM_000548.5(TSC2):c.4058T>C (p.Val1353Ala)

Gene: TSC2 (TSC complex subunit 2; plus strand). Cytogenetic location: 16p13.3.
Variant type: single nucleotide variant.
Coding change: c.4058T>C on transcript NM_000548.5 (MANE Select); coding-DNA position 4058, T replaced by C.
Protein change: p.Val1353Ala; replaces valine 1353 with alanine.
Molecular consequence: missense variant.
Genome position (GRCh38, 1-based): chr16:2,084,280, T>C. VCF-style: chr16-2084280-T-C. GRCh37 (hg19) VCF-style: chr16-2134281-T-C.
Other names: c.3326T>C, p.Val1109Ala (NM_001318831.2); c.3890T>C, p.Val1297Ala (NM_001318832.2); c.3860T>C, p.Val1287Ala (NM_001363528.2); c.3926T>C, p.Val1309Ala (NM_001370404.1); c.3929T>C, p.Val1310Ala (NM_001370405.1, NM_021055.3); c.4058T>C (NM_000548.3); c.3857T>C, p.Val1286Ala (NM_001077183.3); c.3989T>C, p.Val1330Ala (NM_001114382.3); and 2 more; short protein forms V1238A, V1297A, V1309A, V1310A, V1330A, V1353A, V1109A, V1250A.
Identifiers: ClinVar variation 1412982 (VCV001412982.7), dbSNP rs2151521778, ClinGen allele CA394299355.
Genomic context (GRCh38, chr16:2,084,280, plus strand): 5'-CTTTCTAGTCGTCCTCAGTCTCCAGCCAGGAGGAGAAGTCGCTCCACGCGGAGGAGCTGG[T>C]TGGCAGGGGCATCCCCATCGAGCGAGTCGTCTCCTCGGAGGGTGGCCGGCCCTCTGTGGA-3'
Protein context (NP_000539.2, residues 1343-1363): EEKSLHAEEL[Val1353Ala]GRGIPIERVV

ClinVar aggregate classification (germline): Conflicting classifications of pathogenicity. Review status: criteria provided, conflicting classifications (1 of 4 stars). 2 submissions from 2 submitters: Uncertain significance (1); Likely benign (1). Last evaluated 2025-11-15.

Conditions:
Hereditary cancer-predisposing syndrome. Also called: Hereditary neoplastic syndrome; Neoplastic Syndromes, Hereditary; Hereditary Cancer Syndrome; Tumor predisposition. Identifiers: Orphanet 140162, MedGen C0027672, MeSH D009386, MONDO:0015356.
Tuberous sclerosis 2 (TSC2). Identifiers: Orphanet 805, MedGen C1860707, MONDO:0013199, OMIM 613254.

Submissions (2):

Ambry Genetics
Classification: Likely benign for Hereditary cancer-predisposing syndrome. Last evaluated: 2025-11-15. Review status: criteria provided, single submitter. Criteria: Ambry Variant Classification Scheme 2023. Collection method: clinical testing. Allele origin: germline.

Labcorp Genetics (formerly Invitae), Labcorp
Classification: Uncertain significance for Tuberous sclerosis 2. Last evaluated: 2021-08-23. Review status: criteria provided, single submitter. Criteria: Invitae Variant Classification Sherloc (09022015). Collection method: clinical testing. Allele origin: germline.
Comment: This sequence change replaces valine with alanine at codon 1353 of the TSC2 protein (p.Val1353Ala). The valine residue is weakly conserved and there is a small physicochemical difference between valine and alanine. This variant is not present in population databases (ExAC no frequency). This variant has not been reported in the literature in individuals affected with TSC2-related conditions. Advanced modeling of protein sequence and biophysical properties (such as structural, functional, and spatial information, amino acid conservation, physicochemical variation, residue mobility, and thermodynamic stability) performed at Invitae indicates that this missense variant is not expected to disrupt TSC2 protein function. In summary, the available evidence is currently insufficient to determine the role of this variant in disease. Therefore, it has been classified as a Variant of Uncertain Significance.